The following is an entry in ClinVar:

NM_002303.6(LEPR):c.3027C>G (p.Val1009=)

Gene: LEPR (leptin receptor; plus strand). Cytogenetic location: 1p31.3.
Variant type: single nucleotide variant.
Coding change: c.3027C>G on transcript NM_002303.6 (MANE Select); coding-DNA position 3027, C replaced by G.
Protein change: p.Val1009=; no amino-acid change (valine 1009 retained).
Molecular consequence: synonymous variant.
Genome position (GRCh38, 1-based): chr1:65,636,544, C>G. VCF-style: chr1-65636544-C-G. GRCh37 (hg19) VCF-style: chr1-66102227-C-G.
Identifiers: ClinVar variation 2996030 (VCV002996030.4), dbSNP rs1400953212, ClinGen allele CA418436578.

ClinVar aggregate classification (germline): Likely benign. Review status: criteria provided, single submitter (1 of 4 stars). 2 submissions from 2 submitters: Likely benign (1). 1 of the submissions does not count toward it. Last evaluated 2023-11-13.

Conditions:
LEPR-related disorder. Also called: LEPR-related condition; LEPR-related disorders.

Allele frequency attached by ClinVar (database versions not stated): TOPMed below 0.00001; gnomAD 0.00001.
gnomAD v4.1: 15 of 1,613,942 alleles (0.00093%); highest among the groups gnomAD compares: African/African-American, 0.0013%; no homozygotes.

Submissions (2):

Labcorp Genetics (formerly Invitae), Labcorp
Classification: Likely benign. Last evaluated: 2023-11-13. Review status: criteria provided, single submitter. Criteria: Invitae Variant Classification Sherloc (09022015). Collection method: clinical testing. Allele origin: germline.

PreventionGenetics, part of Exact Sciences
Classification: Likely benign for LEPR-related condition. Last evaluated: 2022-06-30. Review status: no assertion criteria provided. Collection method: clinical testing. Allele origin: germline. Not counted in ClinVar's aggregate classification.
Comment: This variant is classified as likely benign based on ACMG/AMP sequence variant interpretation guidelines (Richards et al. 2015 PMID: 25741868, with internal and published modifications).